The following is an entry in ClinVar:

NM_000478.6(ALPL):c.182-5_182-3dup

Gene: ALPL (alkaline phosphatase, biomineralization associated; plus strand). Cytogenetic location: 1p36.12.
Variant type: Duplication.
Coding change: c.182-5_182-3dup on transcript NM_000478.6 (MANE Select); 5 bases into the intron before coding-DNA position 182 through 3 bases into the intron before coding-DNA position 182, 3 bases duplicated (TGC; older notation c.182-5_182-3dupTGC).
Molecular consequence: intron variant.
Genome position (GRCh38, 1-based): chr1:21,561,092-21,561,094, TGC duplicated; duplicating any 3 consecutive bases within chr1:21,561,091-21,561,094 gives the same sequence; the c. name uses the placement nearest the transcript's 3' end. VCF-style (leftmost placement, unchanged base first): chr1-21561090-A-ACTG. GRCh37 (hg19) VCF-style: chr1-21887583-A-ACTG.
Other names: c.182-6_182-4dupCTG (NM_000478.4); c.182-5_182-3dup (NM_001369805.2, NM_001369804.2, NM_001369803.2); c.17-5_17-3dup (NM_001127501.4); c.66+347_66+349dup (NM_001177520.3).
Identifiers: ClinVar variation 513823 (VCV000513823.1), dbSNP rs1553411889, ClinGen allele CA658795410.

ClinVar aggregate classification (germline): Likely benign (1 of 4 stars; one submission).

Submission:

GeneDx
Classification: Likely benign. Last evaluated: 2017-11-21. Review status: criteria provided, single submitter. Criteria: GeneDx Variant Classification (06012015). Collection method: clinical testing. Allele origin: germline. Affected: yes.
Comment: This variant is considered likely benign or benign based on one or more of the following criteria: it is a conservative change, it occurs at a poorly conserved position in the protein, it is predicted to be benign by multiple in silico algorithms, and/or has population frequency not consistent with disease.